The following is an entry in ClinVar:

NM_003052.5(SLC34A1):c.451G>A (p.Val151Met)

Gene: SLC34A1 (solute carrier family 34 member 1; plus strand). Cytogenetic location: 5q35.3.
Variant type: single nucleotide variant.
Coding change: c.451G>A on transcript NM_003052.5 (MANE Select); coding-DNA position 451, G replaced by A.
Protein change: p.Val151Met; replaces valine 151 with methionine.
Molecular consequence: missense variant.
Genome position (GRCh38, 1-based): chr5:177,386,485, G>A. VCF-style: chr5-177386485-G-A. GRCh37 (hg19) VCF-style: chr5-176813486-G-A.
Other names: c.451G>A, p.Val151Met (NM_001167579.2); short protein forms V151M.
Identifiers: ClinVar variation 1950800 (VCV001950800.2), dbSNP rs1337605712, ClinGen allele CA362364110.

ClinVar aggregate classification (germline): Uncertain significance (1 of 4 stars; one submission).

Allele frequency attached by ClinVar (database versions not stated): TOPMed below 0.00001; gnomAD 0.00001.
gnomAD v4.1: 5 of 1,614,100 alleles (0.00031%); highest among the groups gnomAD compares: Admixed American, 0.0083%; no homozygotes.

Submission:

Labcorp Genetics (formerly Invitae), Labcorp
Classification: Uncertain significance. Last evaluated: 2022-07-29. Review status: criteria provided, single submitter. Criteria: Invitae Variant Classification Sherloc (09022015). Collection method: clinical testing. Allele origin: germline.
Comment: This sequence change replaces valine, which is neutral and non-polar, with methionine, which is neutral and non-polar, at codon 151 of the SLC34A1 protein (p.Val151Met). This variant is present in population databases (no rsID available, gnomAD 0.01%). This variant has not been reported in the literature in individuals affected with SLC34A1-related conditions. Algorithms developed to predict the effect of missense changes on protein structure and function (SIFT, PolyPhen-2, Align-GVGD) all suggest that this variant is likely to be tolerated. In summary, the available evidence is currently insufficient to determine the role of this variant in disease. Therefore, it has been classified as a Variant of Uncertain Significance.